The following is an entry in ClinVar:

ClinVar aggregate classification (germline): Uncertain significance (1 of 4 stars; one submission).

Conditions:
Charcot-Marie-Tooth disease recessive intermediate C. Also called: CHARCOT-MARIE-TOOTH NEUROPATHY, RECESSIVE INTERMEDIATE C. Identifiers: Orphanet 369867, MedGen C3809309, MONDO:0014154, OMIM 615376.
Neuronopathy, distal hereditary motor, autosomal recessive 4. Also called: Autosomal recessive lower motor neuron disease with childhood onset; NEUROPATHY, DISTAL HEREDITARY MOTOR, AUTOSOMAL RECESSIVE 4. Identifiers: Orphanet 206580, MedGen C1970211, MONDO:0012608, OMIM 611067.

Allele frequency attached by ClinVar (database versions not stated): TOPMed below 0.00001.
gnomAD v4.1: 2 of 1,607,798 alleles (0.00012%); highest among the groups gnomAD compares: Non-Finnish European, 0.00017%; no homozygotes.

Submission:

Labcorp Genetics (formerly Invitae), Labcorp
Classification: Uncertain significance for Neuronopathy, distal hereditary motor, autosomal recessive 4; Charcot-Marie-Tooth disease recessive intermediate C. Last evaluated: 2021-01-12. Review status: criteria provided, single submitter. Criteria: Invitae Variant Classification Sherloc (09022015). Collection method: clinical testing. Allele origin: germline.
Comment: Algorithms developed to predict the effect of sequence changes on RNA splicing suggest that this variant may disrupt the consensus splice site, but this prediction has not been confirmed by published transcriptional studies. In summary, the available evidence is currently insufficient to determine the role of this variant in disease. Therefore, it has been classified as a Variant of Uncertain Significance. This sequence change falls in intron 9 of the PLEKHG5 gene. It does not directly change the encoded amino acid sequence of the PLEKHG5 protein. This variant is not present in population databases (ExAC no frequency). This variant has not been reported in the literature in individuals with PLEKHG5-related conditions.

NM_020631.6(PLEKHG5):c.985-6C>G

Gene: PLEKHG5 (pleckstrin homology and RhoGEF domain containing G5; minus strand). Cytogenetic location: 1p36.31.
Variant type: single nucleotide variant.
Coding change: c.985-6C>G on transcript NM_020631.6 (MANE Select); 6 bases into the intron before coding-DNA position 985, C replaced by G.
Molecular consequence: intron variant.
Genome position (GRCh38, 1-based): chr1:6,472,628, G>C on the plus strand (C>G on the coding strand, the complement: PLEKHG5 is on the minus strand). VCF-style: chr1-6472628-G-C. GRCh37 (hg19) VCF-style: chr1-6532688-G-C.
Other names: c.985-6C>G (NM_198681.4, NM_001265594.3, NM_001042664.2 and 1 more transcripts); c.1096-6C>G (NM_001042663.3, NM_001265592.2); c.1192-6C>G (NM_001265593.2).
Identifiers: ClinVar variation 1409121 (VCV001409121.8), dbSNP rs1371350296, ClinGen allele CA1151502105.
Genomic context (GRCh38, chr1:6,472,628, plus strand): 5'-TGTGCAGCAGCTCCCACACCGCCTCCTGCTGGTGGCACTGCCGCCGGGTCAGCTTCTAGA[G>C]GGAGGGCAGGATGGGTCATTCACGAGGCCTGGAGCACCTTAGGGTGGCCGGGGAGGATAA-3'